The following is an entry in ClinVar:

ClinVar aggregate classification (germline): Uncertain significance (1 of 4 stars; one submission).

Conditions:
Myofibrillar myopathy 5. Also called: Filaminopathy (type); FILAMINOPATHY, AUTOSOMAL DOMINANT. Identifiers: Orphanet 171445, MedGen C1836050, MONDO:0012289, OMIM 609524.
Hypertrophic cardiomyopathy 26. Also called: Cardiomyopathy, familial hypertrophic, 26. Identifiers: Orphanet 75249, MedGen C4310749, MONDO:0014883, OMIM 617047.
Distal myopathy with posterior leg and anterior hand involvement. Also called: WILLIAMS DISTAL MYOPATHY. Identifiers: Orphanet 63273, MedGen C3279722, MONDO:0013550, OMIM 614065.

Allele frequency attached by ClinVar (database versions not stated): gnomAD exomes below 0.00001; ExAC 0.00001.

Submission:

Labcorp Genetics (formerly Invitae), Labcorp
Classification: Uncertain significance for Distal myopathy with posterior leg and anterior hand involvement; Myofibrillar myopathy 5; Hypertrophic cardiomyopathy 26. Last evaluated: 2025-05-08. Review status: criteria provided, single submitter. Criteria: Invitae Variant Classification Sherloc (09022015). Collection method: clinical testing. Allele origin: germline.
Comment: This sequence change replaces lysine, which is basic and polar, with asparagine, which is neutral and polar, at codon 2043 of the FLNC protein (p.Lys2043Asn). This variant is present in population databases (rs775167656, gnomAD 0.003%). This variant has not been reported in the literature in individuals affected with FLNC-related conditions. ClinVar contains an entry for this variant (Variation ID: 2923894). Invitae Evidence Modeling of protein sequence and biophysical properties (such as structural, functional, and spatial information, amino acid conservation, physicochemical variation, residue mobility, and thermodynamic stability) has been performed for this missense variant. However, the output from this modeling did not meet the statistical confidence thresholds required to predict the impact of this variant on FLNC protein function. In summary, the available evidence is currently insufficient to determine the role of this variant in disease. Therefore, it has been classified as a Variant of Uncertain Significance.

NM_001458.5(FLNC):c.6129G>T (p.Lys2043Asn)

Genes: FLNC (filamin C; plus strand), FLNC-AS1 (FLNC antisense RNA 1; minus strand). Cytogenetic location: 7q32.1.
Variant type: single nucleotide variant.
Coding change: c.6129G>T on transcript NM_001458.5 (MANE Select); coding-DNA position 6129, G replaced by T.
Protein change: p.Lys2043Asn; replaces lysine 2043 with asparagine.
Molecular consequence: missense variant.
Genome position (GRCh38, 1-based): chr7:128,852,952, G>T. VCF-style: chr7-128852952-G-T. GRCh37 (hg19) VCF-style: chr7-128493006-G-T.
Other names: c.6030G>T, p.Lys2010Asn (NM_001127487.2); short protein forms K2010N, K2043N.
Identifiers: ClinVar variation 2923894 (VCV002923894.3), dbSNP rs775167656, ClinGen allele CA4475894.